The following is an entry in ClinVar:

NM_152564.5(VPS13B):c.11877A>C (p.Glu3959Asp)

Gene: VPS13B (vacuolar protein sorting 13 homolog B; plus strand). Cytogenetic location: 8q22.2.
Variant type: single nucleotide variant.
Coding change: c.11877A>C on transcript NM_152564.5 (MANE Select); coding-DNA position 11877, A replaced by C.
Protein change: p.Glu3959Asp; replaces glutamic acid 3959 with aspartic acid.
Molecular consequence: missense variant.
Genome position (GRCh38, 1-based): chr8:99,875,549, A>C. VCF-style: chr8-99875549-A-C. GRCh37 (hg19) VCF-style: chr8-100887777-A-C.
Other names: c.11952A>C, p.Glu3984Asp (NM_017890.5); c.11877A>C (NM_152564.4); short protein forms E3959D, E3984D.
Identifiers: ClinVar variation 998539 (VCV000998539.6), dbSNP rs774988681, ClinGen allele CA4825360.

ClinVar aggregate classification (germline): Uncertain significance. Review status: criteria provided, single submitter (1 of 4 stars). 3 submissions from 3 submitters: Uncertain significance (1). 2 of the submissions do not count toward it. Last evaluated 2022-08-15.

Conditions:
VPS13B-related disorder. Also called: VPS13B-related condition.
Cohen syndrome (COH1). Also called: PEPPER SYNDROME; Cutis verticis gyrata, retinitis pigmentosa, and sensorineural deafness. Identifiers: Orphanet 193, MedGen C0265223, MONDO:0008999, OMIM 216550.

Allele frequency attached by ClinVar (database versions not stated): gnomAD exomes below 0.00001; ExAC 0.00001; gnomAD 0.00002; TOPMed 0.00002.
gnomAD v4.1: 9 of 1,613,522 alleles (0.00056%); highest among the groups gnomAD compares: African/African-American, 0.0094%; no homozygotes.

Submissions (3):

Labcorp Genetics (formerly Invitae), Labcorp
Classification: Uncertain significance for Cohen syndrome. Last evaluated: 2022-08-15. Review status: criteria provided, single submitter. Criteria: Invitae Variant Classification Sherloc (09022015). Collection method: clinical testing. Allele origin: germline.
Comment: This sequence change replaces glutamic acid, which is acidic and polar, with aspartic acid, which is acidic and polar, at codon 3984 of the VPS13B protein (p.Glu3984Asp). This variant is present in population databases (rs774988681, gnomAD 0.008%). This variant has not been reported in the literature in individuals affected with VPS13B-related conditions. ClinVar contains an entry for this variant (Variation ID: 998539). Algorithms developed to predict the effect of missense changes on protein structure and function are either unavailable or do not agree on the potential impact of this missense change (SIFT: "Not Available"; PolyPhen-2: "Benign"; Align-GVGD: "Not Available"). In summary, the available evidence is currently insufficient to determine the role of this variant in disease. Therefore, it has been classified as a Variant of Uncertain Significance.

PreventionGenetics, part of Exact Sciences
Classification: Uncertain significance for VPS13B-related condition. Last evaluated: 2024-09-22. Review status: no assertion criteria provided. Collection method: clinical testing. Allele origin: germline. Not counted in ClinVar's aggregate classification.
Comment: The VPS13B c.11877A>C variant is predicted to result in the amino acid substitution p.Glu3959Asp. To our knowledge, this variant has not been reported in the literature. This variant is reported in 0.0080% of alleles in individuals of African descent in gnomAD. At this time, the clinical significance of this variant is uncertain due to the absence of conclusive functional and genetic evidence.

Natera, Inc.
Classification: Uncertain significance for Cohen syndrome. Last evaluated: 2020-10-20. Review status: no assertion criteria provided. Collection method: clinical testing. Allele origin: germline. Not counted in ClinVar's aggregate classification.